The following is an entry in ClinVar:

ClinVar aggregate classification (germline): Benign (1 of 4 stars; one submission).

Conditions:
Hereditary diffuse gastric adenocarcinoma (HDGC). Also called: DIFFUSE GASTRIC AND LOBULAR BREAST CANCER SYNDROME. Identifiers: Orphanet 26106, MedGen C1708349, MONDO:0007648, OMIM 137215.

Submission:

Myriad Genetics, Inc.
Classification: Benign for Hereditary diffuse gastric adenocarcinoma. Last evaluated: 2024-09-20. Review status: criteria provided, single submitter. Criteria: Myriad Autosomal Dominant, Autosomal Recessive and X-Linked Classification Criteria (2023). Collection method: clinical testing. Allele origin: unknown.
Comment: This variant is considered benign. This variant is a silent/synonymous amino acid change and it is not expected to impact splicing.

NM_004360.5(CDH1):c.2181C>G (p.Leu727=)

Gene: CDH1 (cadherin 1; plus strand). Cytogenetic location: 16q22.1.
Variant type: single nucleotide variant.
Coding change: c.2181C>G on transcript NM_004360.5 (MANE Select); coding-DNA position 2181, C replaced by G.
Protein change: p.Leu727=; no amino-acid change (leucine 727 retained).
Molecular consequence: synonymous variant.
Genome position (GRCh38, 1-based): chr16:68,828,190, C>G. VCF-style: chr16-68828190-C-G. GRCh37 (hg19) VCF-style: chr16-68862093-C-G.
Other names: c.1998C>G, p.Leu666= (NM_001317184.2); c.633C>G, p.Leu211= (NM_001317185.2); c.216C>G, p.Leu72= (NM_001317186.2).
Identifiers: ClinVar variation 3378753 (VCV003378753.1).